The following is an entry in ClinVar:

NM_014905.5(GLS):c.539A>G (p.Asp180Gly)

Gene: GLS (glutaminase; plus strand). Cytogenetic location: 2q32.2.
Variant type: single nucleotide variant.
Coding change: c.539A>G on transcript NM_014905.5 (MANE Select); coding-DNA position 539, A replaced by G.
Protein change: p.Asp180Gly; replaces aspartic acid 180 with glycine.
Molecular consequence: missense variant.
Genome position (GRCh38, 1-based): chr2:190,895,659, A>G. VCF-style: chr2-190895659-A-G. GRCh37 (hg19) VCF-style: chr2-191760385-A-G.
Other names: c.539A>G, p.Asp180Gly (NM_001256310.2, NM_001437282.1, NM_001437283.1); short protein forms D180G.
Identifiers: ClinVar variation 4755858 (VCV004755858.1).

ClinVar aggregate classification (germline): Uncertain significance (1 of 4 stars; one submission).

gnomAD v4.1: 1 of 1,601,110 alleles (0.000062%); highest among the groups gnomAD compares: Non-Finnish European, 0.000086%; no homozygotes.

Submission:

GeneDx
Classification: Uncertain significance. Last evaluated: 2025-08-04. Review status: criteria provided, single submitter. Criteria: GeneDx Variant Classification Process June 2021. Collection method: clinical testing. Allele origin: germline. Affected: yes.
Comment: Not observed at significant frequency in large population cohorts (gnomAD); In silico analysis supports that this missense variant has a deleterious effect on protein structure/function; In silico analysis supports a deleterious effect on splicing; Has not been previously published as pathogenic or benign to our knowledge